The following is an entry in ClinVar:

ClinVar aggregate classification (germline): Pathogenic (1 of 4 stars; one submission).

Conditions:
Ataxia-telangiectasia syndrome (AT). Also called: Ataxia-telangiectasia, complementation group D; AT, COMPLEMENTATION GROUP C; ATAXIA-TELANGIECTASIA, COMPLEMENTATION GROUP A; ATAXIA-TELANGIECTASIA, FRESNO VARIANT; Ataxia-telangiectasia, complementation group E; LOUIS-BAR SYNDROME. Identifiers: Orphanet 100, MedGen C0004135, MONDO:0008840, OMIM 208900.

Submission:

Labcorp Genetics (formerly Invitae), Labcorp
Classification: Pathogenic for Ataxia-telangiectasia syndrome. Last evaluated: 2022-05-29. Review status: criteria provided, single submitter. Criteria: Invitae Variant Classification Sherloc (09022015). Collection method: clinical testing. Allele origin: germline.
Comment: For these reasons, this variant has been classified as Pathogenic. This variant has not been reported in the literature in individuals affected with ATM-related conditions. This variant is not present in population databases (gnomAD no frequency). This sequence change creates a premature translational stop signal (p.Glu2157Argfs*78) in the ATM gene. It is expected to result in an absent or disrupted protein product. Loss-of-function variants in ATM are known to be pathogenic (PMID: 23807571, 25614872).

Literature cited by the submitters: PubMed 23807571; PubMed 25614872.

NM_000051.4(ATM):c.6468del (p.Glu2157fs)

Genes: ATM (ATM serine/threonine kinase; plus strand), C11orf65 (chromosome 11 open reading frame 65; minus strand). Cytogenetic location: 11q22.3.
Variant type: Deletion.
Coding change: c.6468del on transcript NM_000051.4 (MANE Select); coding-DNA position 6468, one base deleted (A; older notation c.6468delA).
Protein change: p.Glu2157fs; shifts the reading frame from glutamic acid 2157.
Molecular consequence: frameshift variant. On other transcripts: intron variant (2).
Genome position (GRCh38, 1-based): chr11:108,321,316, A deleted; the last of 2 consecutive A bases (chr11:108,321,315-108,321,316); deleting either gives the same sequence. VCF-style (leftmost placement, unchanged base first): chr11-108321314-GA-G. GRCh37 (hg19) VCF-style: chr11-108192041-GA-G.
Other names: c.6468del, p.Glu2157fs (NM_001351834.2); c.641-12244del (NM_001330368.2); c.*39-12244del (NM_001351110.2); short protein forms E2157fs.
Identifiers: ClinVar variation 2000324 (VCV002000324.4), dbSNP rs2547161209, ClinGen allele CA2580083449.